The following is an entry in ClinVar:

ClinVar aggregate classification (germline): Pathogenic (1 of 4 stars; one submission).

Conditions:
Familial cancer of breast. Also called: hereditary breast carcinoma; BREAST CANCER, FAMILIAL; Hereditary breast cancer. Identifiers: Orphanet 227535, MedGen C0346153, MONDO:0016419, OMIM 114480. Disease mechanism: loss of function.

Submission:

Labcorp Genetics (formerly Invitae), Labcorp
Classification: Pathogenic for Familial cancer of breast. Last evaluated: 2025-11-18. Review status: criteria provided, single submitter. Criteria: Invitae Variant Classification Sherloc (09022015). Collection method: clinical testing. Allele origin: germline.
Comment: This sequence change creates a premature translational stop signal (p.His69Glnfs*107) in the PALB2 gene. It is expected to result in an absent or disrupted protein product. Loss-of-function variants in PALB2 are known to be pathogenic (PMID: 17200668, 17200671, 17200672, 24136930, 25099575). This variant is not present in population databases (gnomAD no frequency). This variant has not been reported in the literature in individuals affected with PALB2-related conditions. For these reasons, this variant has been classified as Pathogenic.

Literature cited by the submitters: PubMed 17200668; PubMed 17200671; PubMed 17200672; PubMed 24136930; PubMed 25099575.

NM_024675.4(PALB2):c.207_210del (p.His69fs)

Gene: PALB2 (partner and localizer of BRCA2; minus strand). Cytogenetic location: 16p12.2.
Variant type: Deletion.
Coding change: c.207_210del on transcript NM_024675.4 (MANE Select); coding-DNA positions 207 to 210, 4 bases deleted (CTCA; older notation c.207_210delCTCA).
Protein change: p.His69fs; shifts the reading frame from histidine 69.
Molecular consequence: frameshift variant. On other transcripts: 5 prime UTR variant (8), intron variant (3).
Genome position (GRCh38, 1-based): chr16:23,637,851-23,637,854, TGAG deleted on the plus strand (CTCA on the coding strand, the reverse complement: PALB2 is on the minus strand); deleting any 4 consecutive bases within chr16:23,637,851-23,637,856 gives the same sequence; the c. name uses the placement nearest the transcript's 3' end. VCF-style (leftmost placement, unchanged base first): chr16-23637850-CTGAG-C. GRCh37 (hg19) VCF-style: chr16-23649171-CTGAG-C.
Other names: c.-679_-676del (NM_001407308.1, NM_001407309.1, NM_001407310.1 and 5 more transcripts); c.48+3256_48+3259del (NM_001407314.1); c.-105+3256_-105+3259del (NM_001407313.1, NM_001407312.1); c.147_150del, p.His49fs (NM_001407296.1); c.207_210del, p.His69fs (NM_001407297.1, NM_001407298.1, NM_001407299.1 and 3 more transcripts); short protein forms H49fs, H69fs.
Identifiers: ClinVar variation 4724104 (VCV004724104.1).
Genomic context (GRCh38, chr16:23,637,850, plus strand): 5'-GCCAAAATATACCTGGGAAATGAATAATAAAGCAGGCATAAGTGAATGGTCTAGATTTAC[CTGAG>C]TGTTTTAGCTGCGGTGAGAGATCCTGCTGAGACAAACAATCTTGTTCTTCTACTGTTTTC-3'